The following is an entry in ClinVar:

ClinVar aggregate classification (germline): Uncertain significance (1 of 4 stars; one submission).

Submission:

Women's Health and Genetics/Laboratory Corporation of America, LabCorp
Classification: Uncertain significance. Last evaluated: 2022-04-26. Review status: criteria provided, single submitter. Criteria: LabCorp Variant Classification Summary - May 2015. Collection method: clinical testing. Allele origin: germline.
Comment: Variant summary: The variant identified by MLPA or other technology involves the duplication of exons 15-48 (i.e. involving the last exon) in the DOCK8 gene. The exact breakpoint at the 3' end of this variant is unknown and therefore this duplication might extend downstream of the assayed region of this gene. A presumed nomenclature of c.(1679+1_1680-1)_(*1041_?)dup has been designated for the purposes of this classification. It has been assumed that this is a tandem duplication in direct orientation (Richardson_GIM_2018, Newman_AJHG_2015). Since the exact breakpoints of this duplication are not known, it is not possible to predict the protein level effect of this variant. The variant was absent in 21692 control chromosomes in the gnomAD database, structural variants dataset. The available data on variant occurrences in the general population are insufficient to allow any conclusion about variant significance. To our knowledge, no occurrence of c.(1679+1_1680-1)_(*1041_?)dup in individuals affected with Severe Combined Immunodeficiency and no experimental evidence demonstrating its impact on protein function have been reported. At least one clinical diagnostic laboratory has submitted clinical-significance assessments for a variant involving the duplication of exons 15-48 to ClinVar after 2014, and classified the variant as uncertain significance. In conclusion, while it may be assumed that duplication variants including a larger DNA segment downstream of the gene might result in regular transcription- and translation termination with an unaffected protein product, however shorter tandem duplication variants involving the last exon, can potentially affect the 3' end of the mRNA, or result in a frameshift, or an in-frame duplication change, which might be associated with disease. Since it is not possible to distinguish between these two outcomes in the context of this evaluation, the variant was classified as VUS.

NC_000009.11:g.(340322_368017)_(465260_?)dup

Gene: DOCK8 (dedicator of cytokinesis 8; plus strand). Cytogenetic location: 9p24.3.
Variant type: Duplication.
Identifiers: ClinVar variation 1683412 (VCV001683412.1).